The following is an entry in ClinVar:

ClinVar aggregate classification (germline): Pathogenic (1 of 4 stars; one submission).

Conditions:
Hereditary breast ovarian cancer syndrome. Also called: Hereditary breast and ovarian cancer syndrome (HBOC); BRCA1- and BRCA2-Associated Hereditary Breast and Ovarian Cancer; Hereditary breast and ovarian cancer syndrome; Breast and ovarian cancer; Hereditary breast and ovarian cancer; Hereditary breast and/or ovarian cancer syndrome. Identifiers: Orphanet 145, MedGen C0677776, MeSH D061325, MONDO:0003582. Disease mechanism: loss of function.

Submission:

Labcorp Genetics (formerly Invitae), Labcorp
Classification: Pathogenic for Hereditary breast ovarian cancer syndrome. Last evaluated: 2017-11-18. Review status: criteria provided, single submitter. Criteria: Invitae Variant Classification Sherloc (09022015). Collection method: clinical testing. Allele origin: germline.
Comment: This variant is an out-of-frame deletion of the genomic region encompassing exon 15 of the BRCA2 gene. This is expected to create a premature translational stop signal and result in an absent or disrupted protein product. This variant has not been reported in the literature in individuals with BRCA2-related disease. Loss-of-function variants in BRCA2 are known to be pathogenic (PMID: 20104584). For these reasons, this variant has been classified as Pathogenic.

NC_000013.11:g.(?_32356422)_(32356615_?)del

Gene: BRCA2 (BRCA2 DNA repair associated; plus strand). Cytogenetic location: 13q13.1.
Variant type: Deletion.
Identifiers: ClinVar variation 531589 (VCV000531589.1).